The following is an entry in ClinVar:

ClinVar aggregate classification (germline): Benign. Review status: criteria provided, multiple submitters, no conflicts (2 of 4 stars). 2 submissions from 2 submitters: Benign (2). Last evaluated 2026-01-25.

Conditions:
Autosomal recessive congenital ichthyosis 3 (ARCI3). Also called: ICHTHYOSIS, LAMELLAR, 5. Identifiers: MedGen C3539888, MONDO:0011680, OMIM 606545.

Allele frequency attached by ClinVar (database versions not stated): ExAC 0.00208; 1000 Genomes Project 0.00260; 1000 Genomes Project 30x 0.00328; gnomAD 0.00639 and 0.00716; TOPMed 0.00734; ESP Exome Variant Server 0.00800.
gnomAD v4.1: 1,808 of 1,612,006 alleles (0.11%); highest among the groups gnomAD compares: African/African-American, 2.2%; 20 homozygotes.

Submissions (2):

Labcorp Genetics (formerly Invitae), Labcorp
Classification: Benign. Last evaluated: 2026-01-25. Review status: criteria provided, single submitter. Criteria: Invitae Variant Classification Sherloc (09022015). Collection method: clinical testing. Allele origin: germline.

Illumina Laboratory Services, Illumina
Classification: Benign for Autosomal recessive congenital ichthyosis 3. Last evaluated: 2018-01-13. Review status: criteria provided, single submitter. Criteria: ICSL Variant Classification Criteria 13 December 2019. Collection method: clinical testing. Allele origin: germline.
Comment: This variant was observed in the ICSL laboratory as part of a predisposition screen in an ostensibly healthy population. It had not been previously curated by ICSL or reported in the Human Gene Mutation Database (HGMD: prior to June 1st, 2018), and was therefore a candidate for classification through an automated scoring system. Utilizing variant allele frequency, disease prevalence and penetrance estimates, and inheritance mode, an automated score was calculated to assess if this variant is too frequent to cause the disease. Based on the score and internal cut-off values, a variant classified as benign is not then subjected to further curation. The score for this variant resulted in a classification of benign for this disease.

NM_021628.3(ALOXE3):c.148-11G>C

Gene: ALOXE3 (arachidonate epidermal lipoxygenase 3; minus strand). Cytogenetic location: 17p13.1.
Variant type: single nucleotide variant.
Coding change: c.148-11G>C on transcript NM_021628.3 (MANE Select); 11 bases into the intron before coding-DNA position 148, G replaced by C.
Molecular consequence: intron variant.
Genome position (GRCh38, 1-based): chr17:8,116,991, C>G on the plus strand (G>C on the coding strand, the complement: ALOXE3 is on the minus strand). VCF-style: chr17-8116991-C-G. GRCh37 (hg19) VCF-style: chr17-8020309-C-G.
Other names: c.544-11G>C (NM_001165960.1); c.148-11G>C (NM_001369446.1).
Identifiers: ClinVar variation 890856 (VCV000890856.11), dbSNP rs114372253, ClinGen allele CA8368512.
Genomic context (GRCh38, chr17:8,116,991, plus strand): 5'-AGCAAGAGCTCACCCAGCTCCGCTGTGCAACGCACCTTGTACTTCTGTACCTGAGGGGAC[C>G]AAGACAGCAAGCAGGTGAGAGGCGGGGAACTGCCAAGGCGGTCCTTGCGCCTTGCAAGAT-3'